The following is an entry in ClinVar:

ClinVar aggregate classification (germline): Uncertain significance (1 of 4 stars; one submission).

Conditions:
Inborn genetic diseases. Identifiers: MedGen C0950123, MeSH D030342.

Submission:

Ambry Genetics
Classification: Uncertain significance for Inborn genetic diseases. Last evaluated: 2025-10-28. Review status: criteria provided, single submitter. Criteria: Ambry Variant Classification Scheme 2023. Collection method: clinical testing. Allele origin: germline.
Comment: The p.A42V variant (also known as c.125C>T), located in coding exon 1 of the SH2B3 gene, results from a C to T substitution at nucleotide position 125. The alanine at codon 42 is replaced by valine, an amino acid with similar properties. This amino acid position is conserved. In addition, the in silico prediction for this alteration is inconclusive. Based on the available evidence, the clinical significance of this variant remains unclear.

NM_005475.3(SH2B3):c.125C>T (p.Ala42Val)

Gene: SH2B3 (SH2B adaptor protein 3; plus strand). Cytogenetic location: 12q24.12.
Variant type: single nucleotide variant.
Coding change: c.125C>T on transcript NM_005475.3 (MANE Select); coding-DNA position 125, C replaced by T.
Protein change: p.Ala42Val; replaces alanine 42 with valine.
Molecular consequence: missense variant.
Genome position (GRCh38, 1-based): chr12:111,418,270, C>T. VCF-style: chr12-111418270-C-T. GRCh37 (hg19) VCF-style: chr12-111856074-C-T.
Other names: short protein forms A42V.
Identifiers: ClinVar variation 4630737 (VCV004630737.1).